The following is an entry in ClinVar:

ClinVar aggregate classification (germline): Pathogenic (1 of 4 stars; one submission).

Conditions:
Mucopolysaccharidosis, MPS-III-D (MPS3D). Also called: MPS III D; Mucopoly-saccharidosis type 3D; N-acetylglucosamine-6-sulfate sulfatase deficiency; MPS 3D; N-ACETYLGLUCOSAMINE-6-SULFATASE DEFICIENCY; SANFILIPPO SYNDROME D. Identifiers: Orphanet 581, Orphanet 79272, MedGen C0086650, MONDO:0009658, OMIM 252940.

Submission:

Labcorp Genetics (formerly Invitae), Labcorp
Classification: Pathogenic for Mucopolysaccharidosis, MPS-III-D. Last evaluated: 2020-03-09. Review status: criteria provided, single submitter. Criteria: Invitae Variant Classification Sherloc (09022015). Collection method: clinical testing. Allele origin: germline.
Comment: This sequence change creates a premature translational stop signal (p.Leu296Profs*4) in the GNS gene. It is expected to result in an absent or disrupted protein product. This variant is not present in population databases (ExAC no frequency). This variant has not been reported in the literature in individuals with GNS-related conditions. Loss-of-function variants in GNS are known to be pathogenic (PMID: 20232353). For these reasons, this variant has been classified as Pathogenic.

Literature cited by the submitters: PubMed 20232353.

NM_002076.4(GNS):c.887_888del (p.Leu296fs)

Gene: GNS (glucosamine (N-acetyl)-6-sulfatase; minus strand). Cytogenetic location: 12q14.3.
Variant type: Microsatellite.
Coding change: c.887_888del on transcript NM_002076.4 (MANE Select); coding-DNA positions 887 to 888, 2 bases deleted (TC; older notation c.887_888delTC).
Protein change: p.Leu296fs; shifts the reading frame from leucine 296.
Molecular consequence: frameshift variant.
Genome position (GRCh38, 1-based): chr12:64,739,487-64,739,488, GA deleted on the plus strand (TC on the coding strand, the reverse complement: GNS is on the minus strand); deleting any 2 consecutive bases within chr12:64,739,487-64,739,491 gives the same sequence; the c. name uses the placement nearest the transcript's 3' end. VCF-style (leftmost placement, unchanged base first): chr12-64739486-GGA-G. GRCh37 (hg19) VCF-style: chr12-65133266-GGA-G.
Other names: short protein forms L296fs.
Identifiers: ClinVar variation 1075562 (VCV001075562.7), dbSNP rs2136245530, ClinGen allele CA2580616815.